The following is an entry in ClinVar:

NM_000088.4(COL1A1):c.*243_*244dup

Gene: COL1A1 (collagen type I alpha 1 chain; minus strand). Cytogenetic location: 17q21.33.
Variant type: Duplication.
Coding change: c.*243_*244dup on transcript NM_000088.4 (MANE Select); 243 bases downstream of the stop codon through 244 bases downstream of the stop codon, 2 bases duplicated (AA; older notation c.*243_*244dupAA).
Molecular consequence: 3 prime UTR variant.
Genome position (GRCh38, 1-based): chr17:50,185,258-50,185,259, TT duplicated on the plus strand (AA on the coding strand, the reverse complement: COL1A1 is on the minus strand); duplicating any 2 consecutive bases within chr17:50,185,258-50,185,276 gives the same sequence; the c. name uses the placement nearest the transcript's 3' end. VCF-style (leftmost placement, unchanged base first): chr17-50185257-C-CTT. GRCh37 (hg19) VCF-style: chr17-48262618-C-CTT.
Identifiers: ClinVar variation 324088 (VCV000324088.9), dbSNP rs56302025, ClinGen allele CA10650532.

ClinVar aggregate classification (germline): Likely benign. Review status: criteria provided, single submitter (1 of 4 stars). 2 submissions from 2 submitters: Likely benign (1). 1 of the submissions does not count toward it. Last evaluated 2025-09-10.

Conditions:
Osteogenesis imperfecta type I (OI1). Also called: OI, TYPE I; OSTEOGENESIS IMPERFECTA TARDA; OSTEOGENESIS IMPERFECTA WITH BLUE SCLERAE; Lobstein's Disease; Osteogenesis imperfecta type 1; Lobstein disease. Identifiers: Orphanet 216796, Orphanet 666, MedGen C0023931, MONDO:0008146, OMIM 166200. Disease mechanism: loss of function.
COL1A1-related disorder. Also called: COL1A1-related condition; COL1A1- related disease.

Submissions (2):

Genomic Medicine Center of Excellence, King Faisal Specialist Hospital and Research Centre
Classification: Likely benign for Osteogenesis imperfecta type I. Last evaluated: 2025-09-10. Review status: criteria provided, single submitter. Criteria: ACMG Guidelines, 2015. Collection method: clinical testing. Allele origin: germline.

PreventionGenetics, part of Exact Sciences
Classification: Likely benign for COL1A1-related condition. Last evaluated: 2021-09-01. Review status: no assertion criteria provided. Collection method: clinical testing. Allele origin: germline. Not counted in ClinVar's aggregate classification.
Comment: This variant is classified as likely benign based on ACMG/AMP sequence variant interpretation guidelines (Richards et al. 2015 PMID: 25741868, with internal and published modifications).